The following is an entry in ClinVar:

ClinVar aggregate classification (germline): Conflicting classifications of pathogenicity. Review status: criteria provided, conflicting classifications (1 of 4 stars). 2 submissions from 2 submitters: Uncertain significance (1); Likely benign (1). Last evaluated 2025-10-08.

Allele frequency attached by ClinVar (database versions not stated): ExAC 0.00004; gnomAD exomes 0.00005; TOPMed 0.00005; gnomAD 0.00007 and 0.00008; ESP Exome Variant Server 0.00016.
gnomAD v4.1: 103 of 1,566,262 alleles (0.0066%); highest among the groups gnomAD compares: Non-Finnish European, 0.0081%; no homozygotes.

Submissions (2):

Labcorp Genetics (formerly Invitae), Labcorp
Classification: Uncertain significance. Last evaluated: 2025-10-08. Review status: criteria provided, single submitter. Criteria: Invitae Variant Classification Sherloc (09022015). Collection method: clinical testing. Allele origin: germline.
Comment: This sequence change replaces methionine, which is neutral and non-polar, with leucine, which is neutral and non-polar, at codon 348 of the MYLK3 protein (p.Met348Leu). This variant is present in population databases (rs140405555, gnomAD 0.008%). This variant has not been reported in the literature in individuals affected with MYLK3-related conditions. ClinVar contains an entry for this variant (Variation ID: 1447809). An algorithm developed to predict the effect of missense changes on protein structure and function outputs the following: PolyPhen-2: "Benign". The leucine amino acid residue is found in multiple mammalian species, which suggests that this missense change does not adversely affect protein function. In summary, the available evidence is currently insufficient to determine the role of this variant in disease. Therefore, it has been classified as a Variant of Uncertain Significance.

Ambry Genetics
Classification: Likely benign. Last evaluated: 2025-08-04. Review status: criteria provided, single submitter. Criteria: Ambry Variant Classification Scheme 2023. Collection method: clinical testing. Allele origin: germline.

NM_182493.3(MYLK3):c.1042A>C (p.Met348Leu)

Gene: MYLK3 (myosin light chain kinase 3; minus strand). Cytogenetic location: 16q11.2.
Variant type: single nucleotide variant.
Coding change: c.1042A>C on transcript NM_182493.3 (MANE Select); coding-DNA position 1042, A replaced by C.
Protein change: p.Met348Leu; replaces methionine 348 with leucine.
Molecular consequence: missense variant.
Genome position (GRCh38, 1-based): chr16:46,732,628, T>G on the plus strand (A>C on the coding strand, the complement: MYLK3 is on the minus strand). VCF-style: chr16-46732628-T-G. GRCh37 (hg19) VCF-style: chr16-46766540-T-G.
Other names: c.19A>C, p.Met7Leu (NM_001308301.1); c.1042A>C (NM_182493.2); short protein forms M348L, M7L.
Identifiers: ClinVar variation 1447809 (VCV001447809.7), dbSNP rs140405555, ClinGen allele CA8038085.
Genomic context (GRCh38, chr16:46,732,628, plus strand): 5'-CAGCTGCTGGAGCCTCTGTGGTGAGGGTGGGTCCAAGGCTGCCCCTGCCTGTCATCAGCA[T>G]CTCCCCAGGAGTATCCATCTCTTGTATGTGGATGGAGATCCTGGGGTGGAGAGAAACATG-3'
Protein context (NP_872299.2, residues 338-358): HIQEMDTPGE[Met348Leu]LMTGRGSLGP